The following is an entry in ClinVar:

ClinVar aggregate classification (germline): Uncertain significance (1 of 4 stars; one submission).

Allele frequency attached by ClinVar (database versions not stated): gnomAD 0.00007; TOPMed 0.00009; gnomAD exomes below 0.00001.
gnomAD v4.1: 16 of 1,610,244 alleles (0.00099%); highest among the groups gnomAD compares: African/African-American, 0.019%; no homozygotes.

Submission:

Labcorp Genetics (formerly Invitae), Labcorp
Classification: Uncertain significance. Last evaluated: 2022-03-25. Review status: criteria provided, single submitter. Criteria: Invitae Variant Classification Sherloc (09022015). Collection method: clinical testing. Allele origin: germline.
Comment: In summary, the available evidence is currently insufficient to determine the role of this variant in disease. Therefore, it has been classified as a Variant of Uncertain Significance. Algorithms developed to predict the effect of missense changes on protein structure and function are either unavailable or do not agree on the potential impact of this missense change (SIFT: "Deleterious"; PolyPhen-2: "Probably Damaging"; Align-GVGD: "Class C15"). This variant has not been reported in the literature in individuals affected with INTU-related conditions. This variant is present in population databases (no rsID available, gnomAD 0.03%). This sequence change replaces asparagine, which is neutral and polar, with serine, which is neutral and polar, at codon 235 of the INTU protein (p.Asn235Ser).

NM_015693.4(INTU):c.704A>G (p.Asn235Ser)

Gene: INTU (inturned planar cell polarity protein; plus strand). Cytogenetic location: 4q28.1.
Variant type: single nucleotide variant.
Coding change: c.704A>G on transcript NM_015693.4 (MANE Select); coding-DNA position 704, A replaced by G.
Protein change: p.Asn235Ser; replaces asparagine 235 with serine.
Molecular consequence: missense variant.
Genome position (GRCh38, 1-based): chr4:127,656,657, A>G. VCF-style: chr4-127656657-A-G. GRCh37 (hg19) VCF-style: chr4-128577812-A-G.
Other names: short protein forms N235S.
Identifiers: ClinVar variation 2051021 (VCV002051021.4), dbSNP rs914229630, ClinGen allele CA105655276.
Genomic context (GRCh38, chr4:127,656,657, plus strand): 5'-TATTCATAAAACTATCTTTTATTGTTATTCTGGTTTCAGGTGATGTCCTTGTTGCTGTGA[A>G]TGATGTCGATGTTACTACTGAAAACATCGAGAGAGTTCTGTCTTGCATTCCTGGACCTAT-3'
Protein context (NP_056508.2, residues 225-245): VLIGDVLVAV[Asn235Ser]DVDVTTENIE